The following is an entry in ClinVar:

NM_001267550.2(TTN):c.42103C>T (p.Leu14035Phe)

Gene: TTN (titin; minus strand). Cytogenetic location: 2q31.2.
Variant type: single nucleotide variant.
Coding change: c.42103C>T on transcript NM_001267550.2 (MANE Select); coding-DNA position 42103, C replaced by T.
Protein change: p.Leu14035Phe; replaces leucine 14035 with phenylalanine.
Molecular consequence: missense variant.
Genome position (GRCh38, 1-based): chr2:178,634,771, G>A on the plus strand (C>T on the coding strand, the complement: TTN is on the minus strand). VCF-style: chr2-178634771-G-A. GRCh37 (hg19) VCF-style: chr2-179499498-G-A.
Other names: c.42103C>T (NM_001267550.1); c.37180C>T, p.Leu12394Phe (NM_001256850.1); c.14908C>T, p.Leu4970Phe (NM_003319.4); c.34399C>T, p.Leu11467Phe (NM_133378.4); c.15283C>T, p.Leu5095Phe (NM_133432.3); c.15484C>T, p.Leu5162Phe (NM_133437.4); short protein forms L14035F, L12394F, L4970F, L5095F, L11467F, L5162F.
Identifiers: ClinVar variation 467143 (VCV000467143.7), dbSNP rs1433887768, ClinGen allele CA349655893.

ClinVar aggregate classification (germline): Uncertain significance. Review status: criteria provided, multiple submitters, no conflicts (2 of 4 stars). 5 submissions from 5 submitters: Uncertain significance (5). Last evaluated 2026-04-01.

Conditions:
TTN-related disorder. Also called: TTN-related condition; TTN-related disease; TTN-related disorders.
Autosomal recessive limb-girdle muscular dystrophy type 2J (LGMDR10). Also called: Limb-girdle muscular dystrophy, type 2J; MUSCULAR DYSTROPHY, LIMB-GIRDLE, AUTOSOMAL RECESSIVE 10. Identifiers: Orphanet 140922, MedGen C1837342, MONDO:0012127, OMIM 608807.
Dilated cardiomyopathy 1G (CMD1G). Identifiers: Orphanet 154, MedGen C1858763, MONDO:0011400, OMIM 604145.
Hypertrophic cardiomyopathy 9. Also called: Familial hypertrophic cardiomyopathy 9. Identifiers: MedGen C1861065, MONDO:0013412, OMIM 613765.
Myopathy, myofibrillar, 9, with early respiratory failure (MFM9). Also called: Hereditary myopathy with early respiratory failure; MYOPATHY, PROXIMAL, WITH EARLY RESPIRATORY MUSCLE INVOLVEMENT; EDSTROM MYOPATHY; Myopathy, distal, with early respiratory failure, autosomal dominant. Identifiers: Orphanet 178464, Orphanet 34521, MedGen C1863599, MONDO:0011362, OMIM 603689.
Tibial muscular dystrophy (TMD). Also called: Udd Distal Myopathy – Tibial Muscular Dystrophy; UDD MYOPATHY; Tibial muscular dystrophy, tardive. Identifiers: Orphanet 609, MedGen C1838244, MONDO:0010870, OMIM 600334.
Early-onset myopathy with fatal cardiomyopathy (CMYO5). Also called: Salih Myopathy; CONGENITAL MYOPATHY 5 WITH CARDIOMYOPATHY. Identifiers: Orphanet 289377, MedGen C2673677, MONDO:0012714, OMIM 611705. Disease mechanism: loss of function.

Allele frequency attached by ClinVar (database versions not stated): gnomAD below 0.00001 and 0.00001; gnomAD exomes 0.00001.
gnomAD v4.1: 13 of 1,613,038 alleles (0.00081%); highest among the groups gnomAD compares: South Asian, 0.0033%; no homozygotes.

Submissions (5):

PreventionGenetics, part of Exact Sciences
Classification: Uncertain significance for TTN-related condition. Last evaluated: 2026-04-01. Review status: criteria provided, single submitter. Criteria: ACMG Guidelines, 2015. Collection method: clinical testing. Allele origin: germline.
Comment: The TTN c.42103C>T variant is predicted to result in the amino acid substitution p.Leu14035Phe. To our knowledge, this variant has not been reported in the literature. This variant is reported in 0.0033% of alleles in individuals of South Asian descent in gnomAD. At this time, the clinical significance of this variant is uncertain due to the absence of conclusive functional and genetic evidence.

Women's Health and Genetics/Laboratory Corporation of America, LabCorp
Classification: Uncertain significance. Last evaluated: 2025-07-09. Review status: criteria provided, single submitter. Criteria: LabCorp Variant Classification Summary - May 2015. Collection method: clinical testing. Allele origin: germline.
Comment: Variant summary: TTN c.34399C>T (p.Leu11467Phe) results in a non-conservative amino acid change in the encoded protein sequence. Algorithms developed to predict the effect of missense changes on protein structure and function are either unavailable or do not agree on the potential impact of this missense change. The variant allele was found at a frequency of 8e-06 in 248486 control chromosomes. The available data on variant occurrences in the general population are insufficient to allow any conclusion about variant significance. To our knowledge, no occurrence of c.34399C>T in individuals affected with Dilated Cardiomyopathy and no experimental evidence demonstrating its impact on protein function have been reported. ClinVar contains an entry for this variant (Variation ID: 467143). Based on the evidence outlined above, the variant was classified as uncertain significance.

GeneDx
Classification: Uncertain significance. Last evaluated: 2022-06-02. Review status: criteria provided, single submitter. Criteria: GeneDx Variant Classification Process June 2021. Collection method: clinical testing. Allele origin: germline. Affected: yes.
Comment: Not observed at significant frequency in large population cohorts (gnomAD); Missense variant in a gene in which most reported pathogenic variants are truncating/loss of function; Has not been previously published as pathogenic or benign to our knowledge; This variant is associated with the following publications: (PMID: 23975875)

Fulgent Genetics
Classification: Uncertain significance for Tibial muscular dystrophy; Myopathy, myofibrillar, 9, with early respiratory failure; Dilated cardiomyopathy 1G; Autosomal recessive limb-girdle muscular dystrophy type 2J; Early-onset myopathy with fatal cardiomyopathy; Hypertrophic cardiomyopathy 9. Last evaluated: 2022-02-17. Review status: criteria provided, single submitter. Criteria: ACMG Guidelines, 2015. Collection method: clinical testing. Allele origin: unknown.

Labcorp Genetics (formerly Invitae), Labcorp
Classification: Uncertain significance for Dilated cardiomyopathy 1G; Autosomal recessive limb-girdle muscular dystrophy type 2J. Last evaluated: 2017-06-13. Review status: criteria provided, single submitter. Criteria: Invitae Variant Classification Sherloc (09022015). Collection method: clinical testing. Allele origin: germline.